The following is an entry in ClinVar:

ClinVar aggregate classification (germline): Likely benign (1 of 4 stars; one submission).

Submission:

CeGaT Center for Human Genetics Tuebingen
Classification: Likely benign. Last evaluated: 2023-08-01. Review status: criteria provided, single submitter. Criteria: CeGaT Center For Human Genetics Tuebingen Variant Classification Criteria Version 2. Collection method: clinical testing. Allele origin: germline. Affected: yes. Observed: 1 variant allele.
Comment: KIR2DL4: BP4, BP7

NM_001080770.2(KIR2DL4):c.243T>C (p.Ser81=)

Gene: KIR2DL4 (killer cell immunoglobulin like receptor, two Ig domains and long cytoplasmic tail 4). Cytogenetic location: 19q13.42.
Variant type: single nucleotide variant.
Coding change: c.243T>C on transcript NM_001080770.2 (MANE Select); coding-DNA position 243, T replaced by C.
Protein change: p.Ser81=; no amino-acid change (serine 81 retained).
Molecular consequence: synonymous variant.
Genome position (GRCh38, 1-based): chr19:54,804,959, T>C. VCF-style: chr19-54804959-T-C. GRCh37 (hg19) VCF-style: chr19-55316414-T-C.
Other names: c.243T>C, p.Ser81= (NM_001080772.2).
Identifiers: ClinVar variation 2650468 (VCV002650468.24), dbSNP rs1231555049, ClinGen allele CA883692666.